The following is an entry in ClinVar:

NM_000059.4(BRCA2):c.3224G>T (p.Ser1075Ile)

Gene: BRCA2 (BRCA2 DNA repair associated; plus strand). Cytogenetic location: 13q13.1.
Variant type: single nucleotide variant.
Coding change: c.3224G>T on transcript NM_000059.4 (MANE Select); coding-DNA position 3224, G replaced by T.
Protein change: p.Ser1075Ile; replaces serine 1075 with isoleucine.
Molecular consequence: missense variant.
Genome position (GRCh38, 1-based): chr13:32,337,579, G>T. VCF-style: chr13-32337579-G-T. GRCh37 (hg19) VCF-style: chr13-32911716-G-T.
Other names: c.3224G>T, p.Ser1075Ile (NM_001406719.1, NM_001406720.1); short protein forms S1075I.
Identifiers: ClinVar variation 1729110 (VCV001729110.5), dbSNP rs2137494493, ClinGen allele CA387775911.

ClinVar aggregate classification (germline): Conflicting classifications of pathogenicity. Review status: criteria provided, conflicting classifications (1 of 4 stars). 3 submissions from 3 submitters: Uncertain significance (2); Likely benign (1). Last evaluated 2025-06-23.

Conditions:
Hereditary cancer-predisposing syndrome. Also called: Tumor predisposition; Neoplastic Syndromes, Hereditary; Hereditary Cancer Syndrome; Hereditary neoplastic syndrome. Identifiers: Orphanet 140162, MedGen C0027672, MeSH D009386, MONDO:0015356.

Submissions (3):

Color Diagnostics, LLC DBA Color Health
Classification: Uncertain significance for Hereditary cancer-predisposing syndrome. Last evaluated: 2025-06-23. Review status: criteria provided, single submitter. Criteria: ACMG Guidelines, 2015. Collection method: clinical testing. Allele origin: germline.
Comment: This missense variant replaces serine with isoleucine at codon 1075 of the BRCA2 protein. Computational prediction suggests that this variant may not impact protein structure and function. To our knowledge, functional studies have not been reported for this variant. This variant has not been reported in individuals affected with BRCA2-related disorders in the literature. This variant has not been identified in the general population by the Genome Aggregation Database (gnomAD). The available evidence is insufficient to determine the role of this variant in disease conclusively. Therefore, this variant is classified as a Variant of Uncertain Significance.

University of Washington Department of Laboratory Medicine, University of Washington
Classification: Likely benign for Hereditary cancer-predisposing syndrome. Last evaluated: 2023-03-23. Review status: criteria provided, single submitter. Criteria: Dines et al. (Genet Med. 2020). Collection method: curation. Allele origin: germline.
Comment: Missense variant in a coldspot region where missense variants are very unlikely to be pathogenic (PMID:31911673).

BRCA2 exon 11 coldspot. Reclassification based on statistical prior probability.

Ambry Genetics
Classification: Uncertain significance for Hereditary cancer-predisposing syndrome. Last evaluated: 2020-09-17. Review status: criteria provided, single submitter. Criteria: Ambry Variant Classification Scheme 2023. Collection method: clinical testing. Allele origin: germline.
Comment: The p.S1075I variant (also known as c.3224G>T), located in coding exon 10 of the BRCA2 gene, results from a G to T substitution at nucleotide position 3224. The serine at codon 1075 is replaced by isoleucine, an amino acid with dissimilar properties. This amino acid position is poorly conserved in available vertebrate species. In addition, this alteration is predicted to be tolerated by in silico analysis. Since supporting evidence is limited at this time, the clinical significance of this alteration remains unclear.